The following is an entry in ClinVar:

NM_000455.5(STK11):c.1127A>T (p.Glu376Val)

Gene: STK11 (serine/threonine kinase 11; plus strand). Cytogenetic location: 19p13.3.
Variant type: single nucleotide variant.
Coding change: c.1127A>T on transcript NM_000455.5 (MANE Select); coding-DNA position 1127, A replaced by T.
Protein change: p.Glu376Val; replaces glutamic acid 376 with valine.
Molecular consequence: missense variant.
Genome position (GRCh38, 1-based): chr19:1,226,472, A>T. VCF-style: chr19-1226472-A-T. GRCh37 (hg19) VCF-style: chr19-1226471-A-T.
Other names: short protein forms E376V.
Identifiers: ClinVar variation 1040749 (VCV001040749.8), dbSNP rs373888280, ClinGen allele CA402953221.
Genomic context (GRCh38, chr19:1,226,472, plus strand): 5'-TGCGCCCCTCAGCTCAGGCCACACTTGCCGTCTCCCTCCCAGGACAGGTCCCAGAAGAGG[A>T]GGCCAGTCACAATGGACAGCGCCGGGGCCTCCCCAAGGCCGTGTGTATGAACGGCACAGA-3'
Protein context (NP_000446.1, residues 366-386): FTVPGQVPEE[Glu376Val]ASHNGQRRGL

ClinVar aggregate classification (germline): Uncertain significance (1 of 4 stars; one submission).

Conditions:
Peutz-Jeghers syndrome (PJS). Also called: POLYPOSIS, HAMARTOMATOUS INTESTINAL; POLYPS-AND-SPOTS SYNDROME; Peutz-Jeghers polyposis; Periorificial lentiginosis syndrome. Identifiers: Orphanet 2869, MedGen C0031269, MeSH D010580, MONDO:0008280, OMIM 175200.

Submission:

Labcorp Genetics (formerly Invitae), Labcorp
Classification: Uncertain significance for Peutz-Jeghers syndrome. Last evaluated: 2022-07-12. Review status: criteria provided, single submitter. Criteria: Invitae Variant Classification Sherloc (09022015). Collection method: clinical testing. Allele origin: germline.
Comment: In summary, the available evidence is currently insufficient to determine the role of this variant in disease. Therefore, it has been classified as a Variant of Uncertain Significance. Algorithms developed to predict the effect of sequence changes on RNA splicing suggest that this variant may create or strengthen a splice site. Algorithms developed to predict the effect of missense changes on protein structure and function (SIFT, PolyPhen-2, Align-GVGD) all suggest that this variant is likely to be tolerated. ClinVar contains an entry for this variant (Variation ID: 1040749). This variant has not been reported in the literature in individuals affected with STK11-related conditions. This variant is not present in population databases (gnomAD no frequency). This sequence change replaces glutamic acid, which is acidic and polar, with valine, which is neutral and non-polar, at codon 376 of the STK11 protein (p.Glu376Val).